The following is an entry in ClinVar:

ClinVar aggregate classification (germline): Likely benign. Review status: criteria provided, multiple submitters, no conflicts (2 of 4 stars). 2 submissions from 2 submitters: Likely benign (2). Last evaluated 2026-01-29.

Conditions:
Nephronophthisis. Also called: Juvenile Nephronophthisis. Identifiers: Orphanet 655, MedGen C0687120, MONDO:0019005, HP:0000090.
GLIS2-related disorder. Also called: GLIS2-related condition.

Allele frequency attached by ClinVar (database versions not stated): 1000 Genomes Project 0.00080; 1000 Genomes Project 30x 0.00094.
gnomAD v4.1: 104 of 1,592,964 alleles (0.0065%); highest among the groups gnomAD compares: East Asian, 0.22%; 1 homozygote.

Submissions (2):

PreventionGenetics, part of Exact Sciences
Classification: Likely benign for GLIS2-related condition. Last evaluated: 2026-01-29. Review status: criteria provided, single submitter. Criteria: ACMG Guidelines, 2015. Collection method: clinical testing. Allele origin: germline.
Comment: This variant is classified as likely benign based on ACMG/AMP sequence variant interpretation guidelines (Richards et al. 2015 PMID: 25741868, with internal and published modifications).

Labcorp Genetics (formerly Invitae), Labcorp
Classification: Likely benign for Nephronophthisis. Last evaluated: 2023-01-20. Review status: criteria provided, single submitter. Criteria: Invitae Variant Classification Sherloc (09022015). Collection method: clinical testing. Allele origin: germline.

NM_032575.3(GLIS2):c.1413C>A (p.Ser471Arg)

Gene: GLIS2 (GLIS family zinc finger 2; plus strand). Cytogenetic location: 16p13.3.
Variant type: single nucleotide variant.
Coding change: c.1413C>A on transcript NM_032575.3 (MANE Select); coding-DNA position 1413, C replaced by A.
Protein change: p.Ser471Arg; replaces serine 471 with arginine.
Molecular consequence: missense variant.
Genome position (GRCh38, 1-based): chr16:4,337,362, C>A. VCF-style: chr16-4337362-C-A. GRCh37 (hg19) VCF-style: chr16-4387363-C-A.
Other names: c.1413C>A, p.Ser471Arg (NM_001318918.2); c.1413C>A (NM_032575.2); short protein forms S471R.
Identifiers: ClinVar variation 2083332 (VCV002083332.5), dbSNP rs201182025, ClinGen allele CA7873259.